The following is an entry in ClinVar:

ClinVar aggregate classification (germline): Likely pathogenic (1 of 4 stars; one submission).

Conditions:
Leber congenital amaurosis 5 (LCA5). Also called: Amaurosis congenita of Leber, type 5. Identifiers: Orphanet 65, MedGen C1858301, MONDO:0011473, OMIM 604537.

Submission:

Dubai Health Genomic Medicine Center, Dubai Health
Classification: Likely pathogenic for Leber congenital amaurosis 5. Last evaluated: 2024-10-04. Review status: criteria provided, single submitter. Criteria: ACMG Guidelines, 2015. Collection method: research. Allele origin: germline. Affected: yes.
Comment: PVS1,PM2

NM_001122769.3(LCA5):c.923del (p.Asn308fs)

Gene: LCA5 (lebercilin LCA5; minus strand). Cytogenetic location: 6q14.1.
Variant type: Deletion.
Coding change: c.923del on transcript NM_001122769.3 (MANE Select); coding-DNA position 923, one base deleted (A; older notation c.923delA).
Protein change: p.Asn308fs; shifts the reading frame from asparagine 308.
Molecular consequence: frameshift variant.
Genome position (GRCh38, 1-based): chr6:79,492,583, T deleted on the plus strand (A on the coding strand, the reverse complement: LCA5 is on the minus strand); the first of 3 consecutive T bases (chr6:79,492,583-79,492,585); deleting any one gives the same sequence. VCF-style (leftmost placement, unchanged base first): chr6-79492582-AT-A. GRCh37 (hg19) VCF-style: chr6-80202299-AT-A.
Other names: c.923del, p.Asn308fs (NM_181714.4); short protein forms N308fs.
Identifiers: ClinVar variation 3384106 (VCV003384106.1).